The following is an entry in ClinVar:

NM_018646.6(TRPV6):c.2168C>T (p.Ser723Leu)

Gene: TRPV6 (transient receptor potential cation channel subfamily V member 6; minus strand). Cytogenetic location: 7q34.
Variant type: single nucleotide variant.
Coding change: c.2168C>T on transcript NM_018646.6 (MANE Select); coding-DNA position 2168, C replaced by T.
Protein change: p.Ser723Leu; replaces serine 723 with leucine.
Molecular consequence: missense variant.
Genome position (GRCh38, 1-based): chr7:142,871,837, G>A on the plus strand (C>T on the coding strand, the complement: TRPV6 is on the minus strand). VCF-style: chr7-142871837-G-A. GRCh37 (hg19) VCF-style: chr7-142569590-G-A.
Other names: short protein forms S723L.
Identifiers: ClinVar variation 2978562 (VCV002978562.3), dbSNP rs529731272, ClinGen allele CA168189716.
Genomic context (GRCh38, chr7:142,871,837, plus strand): 5'-AGGGTCCCTTGCCGAAGCCTTTCCCAATTGGCACTGCTGCGGGAGGTACTTCGAGACACT[G>A]AGGGCATAGGAAGGGACAGGTGGGGGCTGAAGGGACAGCCCAGCTCTAGTTTTTCCACTG-3'
Protein context (NP_061116.5, residues 713-733): FSPHLSLPMP[Ser723Leu]VSRSTSRSSA

ClinVar aggregate classification (germline): Uncertain significance (1 of 4 stars; one submission).

Allele frequency attached by ClinVar (database versions not stated): gnomAD exomes below 0.00001.
gnomAD v4.1: 6 of 1,614,196 alleles (0.00037%); highest among the groups gnomAD compares: Non-Finnish European, 0.00051%; no homozygotes.

Submission:

Labcorp Genetics (formerly Invitae), Labcorp
Classification: Uncertain significance. Last evaluated: 2024-01-02. Review status: criteria provided, single submitter. Criteria: Invitae Variant Classification Sherloc (09022015). Collection method: clinical testing. Allele origin: germline.
Comment: This sequence change replaces serine, which is neutral and polar, with leucine, which is neutral and non-polar, at codon 723 of the TRPV6 protein (p.Ser723Leu). This variant is present in population databases (rs529731272, gnomAD 0.0009%). This variant has not been reported in the literature in individuals affected with TRPV6-related conditions. Experimental studies and prediction algorithms are not available or were not evaluated, and the functional significance of this variant is currently unknown. In summary, the available evidence is currently insufficient to determine the role of this variant in disease. Therefore, it has been classified as a Variant of Uncertain Significance.